The following is an entry in ClinVar:

ClinVar aggregate classification (germline): Likely benign. Review status: reviewed by expert panel (3 of 4 stars). 8 submissions from 8 submitters: Likely benign (1). 7 of the submissions do not count toward it. Last evaluated 2017-06-29.

Conditions:
Hereditary breast ovarian cancer syndrome. Also called: Breast and ovarian cancer; BRCA1- and BRCA2-Associated Hereditary Breast and Ovarian Cancer; Hereditary breast and ovarian cancer syndrome; Hereditary breast and ovarian cancer syndrome (HBOC); Hereditary breast and/or ovarian cancer syndrome; Hereditary breast and ovarian cancer. Identifiers: Orphanet 145, MedGen C0677776, MeSH D061325, MONDO:0003582. Disease mechanism: loss of function.
Breast-ovarian cancer, familial, susceptibility to, 2 (BROVCA2). Also called: BRCA2 Hereditary Breast and Ovarian Cancer. Identifiers: Orphanet 145, MedGen C2675520, MONDO:0012933, OMIM 612555. Disease mechanism: loss of function.
Hereditary cancer-predisposing syndrome. Also called: Neoplastic Syndromes, Hereditary; Hereditary Cancer Syndrome; Tumor predisposition; Hereditary neoplastic syndrome. Identifiers: Orphanet 140162, MedGen C0027672, MeSH D009386, MONDO:0015356.

Allele frequency attached by ClinVar (database versions not stated): gnomAD exomes below 0.00001 and 0.00001; ExAC 0.00002.
gnomAD v4.1: 6 of 1,611,124 alleles (0.00037%); highest among the groups gnomAD compares: Non-Finnish European, 0.00051%; no homozygotes.

Submissions (8):

Evidence-based Network for the Interpretation of Germline Mutant Alleles (ENIGMA)
Classification: Likely benign for Breast-ovarian cancer, familial, susceptibility to, 2. Last evaluated: 2017-06-29. Review status: reviewed by expert panel. Criteria: ENIGMA BRCA1/2 Classification Criteria (2017-06-29). Collection method: curation. Allele origin: germline.
Comment: Synonymous substitution variant, with low bioinformatic likelihood to result in a splicing aberration (Splicing prior probability 0.02).

Labcorp Genetics (formerly Invitae), Labcorp
Classification: Likely benign for Hereditary breast ovarian cancer syndrome. Last evaluated: 2026-01-10. Review status: criteria provided, single submitter. Criteria: Invitae Variant Classification Sherloc (09022015). Collection method: clinical testing. Allele origin: germline. Not counted in ClinVar's aggregate classification.

Quest Diagnostics Nichols Institute San Juan Capistrano
Classification: Likely benign. Last evaluated: 2025-10-31. Review status: criteria provided, single submitter. Criteria: Quest Diagnostics criteria. Collection method: clinical testing. Allele origin: unknown. Not counted in ClinVar's aggregate classification.

All of Us Research Program, National Institutes of Health
Classification: Likely benign for Breast-ovarian cancer, familial, susceptibility to, 2. Last evaluated: 2024-01-11. Review status: criteria provided, single submitter. Criteria: ACMG Guidelines, 2015. Collection method: clinical testing. Allele origin: germline. Inheritance: Autosomal dominant inheritance. Observed: 2 variant alleles, 2 heterozygotes. Not counted in ClinVar's aggregate classification.
Comment: This study involves interpretation of variants in research participants for the purpose of population health screening. Participant phenotype was not available at the time of variant classification. Additional details can be found in publication PMID: 35346344, PMCID: PMC8962531

Blueprint Genetics
Classification: Likely benign. Last evaluated: 2023-12-05. Review status: criteria provided, single submitter. Criteria: ACMG Guidelines, 2015. Collection method: clinical testing. Allele origin: germline. Not counted in ClinVar's aggregate classification.

GeneDx
Classification: Likely benign. Last evaluated: 2018-05-02. Review status: criteria provided, single submitter. Criteria: GeneDx Variant Classification Process June 2021. Collection method: clinical testing. Allele origin: germline. Affected: yes. Not counted in ClinVar's aggregate classification.

Color Diagnostics, LLC DBA Color Health
Classification: Likely benign for Hereditary cancer-predisposing syndrome. Last evaluated: 2017-09-08. Review status: criteria provided, single submitter. Criteria: ACMG Guidelines, 2015. Collection method: clinical testing. Allele origin: germline. Not counted in ClinVar's aggregate classification.

Ambry Genetics
Classification: Likely benign for Hereditary cancer-predisposing syndrome. Last evaluated: 2015-09-29. Review status: criteria provided, single submitter. Criteria: Ambry Variant Classification Scheme 2023. Collection method: clinical testing. Allele origin: germline. Not counted in ClinVar's aggregate classification.

NM_000059.4(BRCA2):c.2022A>G (p.Glu674=)

Gene: BRCA2 (BRCA2 DNA repair associated; plus strand). Cytogenetic location: 13q13.1.
Variant type: single nucleotide variant.
Coding change: c.2022A>G on transcript NM_000059.4 (MANE Select); coding-DNA position 2022, A replaced by G.
Protein change: p.Glu674=; no amino-acid change (glutamic acid 674 retained).
Molecular consequence: synonymous variant.
Genome position (GRCh38, 1-based): chr13:32,336,377, A>G. VCF-style: chr13-32336377-A-G. GRCh37 (hg19) VCF-style: chr13-32910514-A-G.
Identifiers: ClinVar variation 234156 (VCV000234156.26), dbSNP rs758677638, ClinGen allele CA6940576.